The following is an entry in ClinVar:

ClinVar aggregate classification (germline): Pathogenic (1 of 4 stars; one submission).

Conditions:
Multiple endocrine neoplasia type 4. Also called: MULTIPLE ENDOCRINE NEOPLASIA, TYPE IV. Identifiers: Orphanet 276152, MedGen C1970712, MONDO:0012552, OMIM 610755.

Submission:

Labcorp Genetics (formerly Invitae), Labcorp
Classification: Pathogenic for Multiple endocrine neoplasia type 4. Last evaluated: 2018-09-10. Review status: criteria provided, single submitter. Criteria: Invitae Variant Classification Sherloc (09022015). Collection method: clinical testing. Allele origin: germline.
Comment: For these reasons, this variant has been classified as Pathogenic. Loss-of-function variants in CDKN1B are known to be pathogenic (PMID: 17030811, 24819502). This variant has not been reported in the literature in individuals with CDKN1B-related disease. This variant is not present in population databases (ExAC no frequency). This sequence change creates a premature translational stop signal (p.Leu84*) in the CDKN1B gene. It is expected to result in an absent or disrupted protein product.

Literature cited by the submitters: PubMed 17030811; PubMed 24819502.

NM_004064.5(CDKN1B):c.251T>A (p.Leu84Ter)

Gene: CDKN1B (cyclin dependent kinase inhibitor 1B; plus strand). Cytogenetic location: 12p13.1.
Variant type: single nucleotide variant.
Coding change: c.251T>A on transcript NM_004064.5 (MANE Select); coding-DNA position 251, T replaced by A.
Protein change: p.Leu84Ter; replaces leucine 84 with a stop codon.
Molecular consequence: nonsense.
Genome position (GRCh38, 1-based): chr12:12,718,090, T>A. VCF-style: chr12-12718090-T-A. GRCh37 (hg19) VCF-style: chr12-12871024-T-A.
Other names: short protein forms L84*.
Identifiers: ClinVar variation 657339 (VCV000657339.6), dbSNP rs1592280992, ClinGen allele CA383969803.